The following is an entry in ClinVar:

ClinVar aggregate classification (germline): Uncertain significance (0 of 4 stars; one submission).

gnomAD v4.1: 1 of 1,613,918 alleles (0.000062%); highest among the groups gnomAD compares: Admixed American, 0.0017%; no homozygotes.

Submission:

Greenwood Genetic Center Diagnostic Laboratories, Greenwood Genetic Center
Classification: Uncertain significance. Last evaluated: 2021-03-22. Review status: no assertion criteria provided. Collection method: clinical testing. Allele origin: germline. Affected: yes.
Comment: Gene of uncertain clinical significance

NM_001098519.2(LRRC43):c.229G>T (p.Gly77Ter)

Gene: LRRC43 (leucine rich repeat containing 43; plus strand). Cytogenetic location: 12q24.31.
Variant type: single nucleotide variant.
Coding change: c.229G>T on transcript NM_001098519.2 (MANE Select); coding-DNA position 229, G replaced by T.
Protein change: p.Gly77Ter; replaces glycine 77 with a stop codon.
Molecular consequence: nonsense. On other transcripts: 5 prime UTR variant (1).
Genome position (GRCh38, 1-based): chr12:122,184,597, G>T. VCF-style: chr12-122184597-G-T. GRCh37 (hg19) VCF-style: chr12-122669144-G-T.
Other names: c.-327G>T (NM_152759.5); short protein forms G77*.
Identifiers: ClinVar variation 1331625 (VCV001331625.4), dbSNP rs750177453, ClinGen allele CA6842523.